The following is an entry in ClinVar:

ClinVar aggregate classification (germline): Pathogenic (0 of 4 stars; one submission).

Conditions:
Fraser syndrome 2 (FRASRS2). Identifiers: MedGen C4540036, MONDO:0054738, OMIM 617666.

Submission:

Hainan Provincial Key Laboratory for Human Reproductive Medicine and Genetic Research
Classification: Pathogenic for Fraser syndrome 2. Last evaluated: 2023-08-10. Review status: no assertion criteria provided. Collection method: clinical testing. Allele origin: maternal. Inheritance: Autosomal recessive inheritance. Affected: yes. Observed: 1 compound heterozygote.
Comment: The c.2689C>T (p.Gln897Ter) alteration is located in exon 1 (coding exon 1) of the FREM2 gene. This alteration results from a C to T substitution at nucleotide position 2689, causing the glutamine (Gln) at amino acid position 897 to be replaced by a termination codon (Ter).

Literature cited by the submitters: PubMed 34837691.

NM_207361.6(FREM2):c.2689C>T (p.Gln897Ter)

Gene: FREM2 (FRAS1 related extracellular matrix 2; plus strand). Cytogenetic location: 13q13.3.
Variant type: single nucleotide variant.
Coding change: c.2689C>T on transcript NM_207361.6 (MANE Select); coding-DNA position 2689, C replaced by T.
Protein change: p.Gln897Ter; replaces glutamine 897 with a stop codon.
Molecular consequence: nonsense.
Genome position (GRCh38, 1-based): chr13:38,690,033, C>T. VCF-style: chr13-38690033-C-T. GRCh37 (hg19) VCF-style: chr13-39264170-C-T.
Other names: short protein forms Q897*.
Identifiers: ClinVar variation 2583092 (VCV002583092.2), dbSNP rs764607184, ClinGen allele CA387889363.
Genomic context (GRCh38, chr13:38,690,033, plus strand): 5'-ATGAGAGTGTCTGGACAGATCCTGCATGTAGGGGGTCTCTTCCACTTGGAGGACATAAAA[C>T]AGGGCCGAGTTTCCTATGCCCATAATGGGGACAAGTCCCTGACTGATAGCTGCTCCTTGG-3'